The following is an entry in ClinVar:

NM_024753.5(TTC21B):c.3345T>C (p.Thr1115=)

Gene: TTC21B (tetratricopeptide repeat domain 21B; minus strand). Cytogenetic location: 2q24.3.
Variant type: single nucleotide variant.
Coding change: c.3345T>C on transcript NM_024753.5 (MANE Select); coding-DNA position 3345, T replaced by C.
Protein change: p.Thr1115=; no amino-acid change (threonine 1115 retained).
Molecular consequence: synonymous variant.
Genome position (GRCh38, 1-based): chr2:165,888,393, A>G on the plus strand (T>C on the coding strand, the complement: TTC21B is on the minus strand). VCF-style: chr2-165888393-A-G. GRCh37 (hg19) VCF-style: chr2-166744903-A-G.
Other names: c.3345T>C (NM_024753.4).
Identifiers: ClinVar variation 1563017 (VCV001563017.9), dbSNP rs376866058, ClinGen allele CA1941530.
Genomic context (GRCh38, chr2:165,888,393, plus strand): 5'-CTGTTTGGTAGCCATTAAGCAATAGTTTTCCATTATGCGAAGCTGTACGTGACCCTGAAC[A>G]GTCTGAGGTTTTAGTTCCTTAAGAAGTTTTTCTGCTGTTCTTACTGCCAGTTGCACAGAT-3'
Protein context (NP_079029.3, residues 1105-1125): EKLLKELKPQ[Thr1115=]VQGHVQLRIM

ClinVar aggregate classification (germline): Likely benign. Review status: criteria provided, single submitter (1 of 4 stars). 2 submissions from 2 submitters: Likely benign (1). 1 of the submissions does not count toward it. Last evaluated 2026-01-27.

Conditions:
Nephronophthisis. Also called: Juvenile Nephronophthisis. Identifiers: Orphanet 655, MedGen C0687120, MONDO:0019005, HP:0000090.
Jeune thoracic dystrophy. Also called: Jeune syndrome; Infantile thoracic dystrophy; Thoracic pelvic phalangeal dystrophy; Jeune's syndrome; Chondroectodermal dysplasia-like syndrome; Short-rib thoracic dysplasia. Identifiers: Orphanet 474, MedGen C0265275, MONDO:0018770.
TTC21B-related disorder. Also called: TTC21B-related condition; TTC21B-related disorders.

Allele frequency attached by ClinVar (database versions not stated): gnomAD exomes 0.00001; ExAC 0.00002; gnomAD 0.00006; TOPMed 0.00008; ESP Exome Variant Server 0.00015.
gnomAD v4.1: 18 of 1,613,794 alleles (0.0011%); highest among the groups gnomAD compares: African/African-American, 0.017%; no homozygotes.

Submissions (2):

Labcorp Genetics (formerly Invitae), Labcorp
Classification: Likely benign for Jeune thoracic dystrophy; Nephronophthisis. Last evaluated: 2026-01-27. Review status: criteria provided, single submitter. Criteria: Invitae Variant Classification Sherloc (09022015). Collection method: clinical testing. Allele origin: germline.

PreventionGenetics, part of Exact Sciences
Classification: Likely benign for TTC21B-related condition. Last evaluated: 2024-09-23. Review status: no assertion criteria provided. Collection method: clinical testing. Allele origin: germline. Not counted in ClinVar's aggregate classification.
Comment: This variant is classified as likely benign based on ACMG/AMP sequence variant interpretation guidelines (Richards et al. 2015 PMID: 25741868, with internal and published modifications).